The following is an entry in ClinVar:

ClinVar aggregate classification (germline): Pathogenic/Likely pathogenic. Review status: criteria provided, multiple submitters, no conflicts (2 of 4 stars). 10 submissions from 10 submitters: Pathogenic (8); Likely pathogenic (1). 1 of the submissions does not count toward it. Last evaluated 2026-01-16.

Conditions:
PRSS56-related disorder. Also called: PRSS56-related condition.
Nanophthalmia. Also called: Nanophthalmos. Identifiers: Orphanet 35612, MedGen C4274282, MONDO:0005514.
Isolated microphthalmia 6. Also called: MICROPHTHALMIA, POSTERIOR NONSYNDROMIC. Identifiers: Orphanet 2542, MedGen C3150757, MONDO:0013293, OMIM 613517.

Submissions (10):

Labcorp Genetics (formerly Invitae), Labcorp
Classification: Pathogenic for Isolated microphthalmia 6. Last evaluated: 2026-01-16. Review status: criteria provided, single submitter. Criteria: Invitae Variant Classification Sherloc (09022015). Collection method: clinical testing. Allele origin: germline.
Comment: This sequence change creates a premature translational stop signal (p.Gln356Profs*152) in the PRSS56 gene. It is expected to result in an absent or disrupted protein product. Loss-of-function variants in PRSS56 are known to be pathogenic (PMID: 31266062, 31992737). This variant is present in population databases (rs746758123, gnomAD 0.07%). This premature translational stop signal has been observed in individual(s) with posterior microphthalmia (PMID: 21397065, 21532570, 23127749). It has also been observed to segregate with disease in related individuals. ClinVar contains an entry for this variant (Variation ID: 31077). For these reasons, this variant has been classified as Pathogenic.

3billion
Classification: Pathogenic for Isolated microphthalmia 6. Last evaluated: 2025-07-10. Review status: criteria provided, single submitter. Criteria: ACMG Guidelines, 2015. Collection method: clinical testing. Allele origin: germline. Affected: yes.
Comment: The variant is observed at an extremely low frequency in the gnomAD v4.1.0 dataset (total allele frequency: 0.039%). Predicted Consequence/Location: Frameshift: predicted to result in a loss or disruption of normal protein function through nonsense-mediated decay (NMD) or protein truncation. Multiple pathogenic variants are reported downstream of the variant. The variant has been reported at least twice as pathogenic with clinical assertions and evidence for the classification (ClinVar ID: VCV000031077 /PMID: 21397065 /3billion dataset). Therefore, this variant is classified as Pathogenic according to the recommendation of ACMG/AMP guideline.

Ge Lab, State Key Laboratory of Ophthalmology, Zhongshan Ophthalmic Center, Sun Yat-sen University
Classification: Pathogenic for Isolated microphthalmia 6. Last evaluated: 2025-01-05. Review status: criteria provided, single submitter. Criteria: ACMG Guidelines, 2015. Collection method: research. Allele origin: germline. Affected: yes.

PreventionGenetics, part of Exact Sciences
Classification: Pathogenic for PRSS56-related condition. Last evaluated: 2024-10-07. Review status: criteria provided, single submitter. Criteria: ACMG Guidelines, 2015. Collection method: clinical testing. Allele origin: germline.
Comment: The PRSS56 c.1066dupC variant is predicted to result in a frameshift and premature protein termination (p.Gln356Profs*152). This variant has been reported as pathogenic for autosomal recessive microphthalmia (Gal et al. 2011. PubMed ID: 21397065; Prasov et al. 2020. PubMed ID: 33203948). This variant is reported in 0.069% of alleles in individuals of European (Finnish) descent in gnomAD and is classified as pathogenic by a majority of labs in the ClinVar database. This variant is interpreted as pathogenic.

Blueprint Genetics
Classification: Pathogenic for PRSS56-related disorders. Last evaluated: 2024-09-19. Review status: criteria provided, single submitter. Criteria: ACMG Guidelines, 2015. Collection method: clinical testing. Allele origin: germline. Affected: yes. Observed: 5 variant alleles.

Genomic Medicine Center of Excellence, King Faisal Specialist Hospital and Research Centre
Classification: Pathogenic for Isolated microphthalmia 6. Last evaluated: 2024-03-29. Review status: criteria provided, single submitter. Criteria: ACMG Guidelines, 2015. Collection method: clinical testing. Allele origin: germline.

GeneDx
Classification: Pathogenic. Last evaluated: 2019-09-27. Review status: criteria provided, single submitter. Criteria: GeneDx Variant Classification (06012015). Collection method: clinical testing. Allele origin: germline. Affected: yes.
Comment: Considered a founder mutation in the Tunisian population (Nair et al., 2011); Observed in homozygous state in multiple unrelated patients in published literature (Nowilaty et al., 2013) and not observed in homozygous state in controls; Frameshift variant in the C-terminus predicted to result in protein truncation, as the last 248 amino acids are lost and replaced with 151 incorrect amino acids; Observed in 0.0324% (10/30878 alleles) in large population cohorts (Lek et al., 2016)

Laboratory for Molecular Medicine, Mass General Brigham Personalized Medicine
Classification: Likely pathogenic for Nanophthalmia. Last evaluated: 2019-08-08. Review status: criteria provided, single submitter. Criteria: LMM Criteria. Collection method: clinical testing. Allele origin: germline. Inheritance: Autosomal recessive inheritance. Observed: 1 variant allele.
Comment: The p.Gln356ProfsX152 variant in PRSS56 has been reported as a homozygous variant in 7 consanguineous families with posterior microphthalmos, and as a heterozygous variant in 2 individuals with primary angle-closure glaucoma (PACG) and high hyperopia (Aldahmesh 2011, Nair 2011, Gal 2011, Nowilaty 2013, Jiang 2013). In the 7 consanguineous families, this variant segregated in the homozygous state in at least 12 additional affected relatives, and no tested unaffected relatives were homozygous (Nair 2011, Gal 2011). This variant has also been identified in 0.06% (6/8736) of Finish chromosomes by gnomAD. This variant is predicted to cause a frameshift, which alters the proteinâ€™s amino acid sequence beginning at position 356 and leads to a premature termination codon 152 amino acids downstream. This alteration is then predicted to lead to a truncated or absent protein. In summary, although additional studies are required to fully establish its clinical significance, this variant meets criteria to be classified as likely pathogenic for autosomal recessive posterior microphthalmos. ACMG/AMP Criteria applied: PP1_Strong; PM3.

Juno Genomics, Hangzhou Juno Genomics, Inc
Classification: Pathogenic for Isolated microphthalmia 6. Review status: criteria provided, single submitter. Criteria: ACMG Guidelines, 2015. Collection method: clinical testing. Allele origin: germline.
Comment: Absent from controls (or at extremely low frequency if recessive) in Genome Aggregation Database.;Null variant in a gene where loss of function (LOF) is a known mechanism of disease.;For recessive disorders, detected in trans with a pathogenic variant.

OMIM
Classification: Pathogenic for MICROPHTHALMIA, ISOLATED 6. Last evaluated: 2013-02-01. Review status: no assertion criteria provided. Collection method: literature only. Allele origin: germline. Not counted in ClinVar's aggregate classification.

Literature cited by the submitters: PubMed 31266062 (cited by Labcorp Genetics (formerly Invitae), Labcorp); PubMed 31992737 (cited by Labcorp Genetics (formerly Invitae), Labcorp); PubMed 21397065 (cited by 5 submitters); PubMed 21532570 (cited by 3 submitters); PubMed 23127749 (cited by 3 submitters); PubMed 21670352 (cited by Laboratory for Molecular Medicine, Mass General Brigham Personalized Medicine and OMIM); PubMed 19526372 (cited by Laboratory for Molecular Medicine, Mass General Brigham Personalized Medicine and OMIM); PubMed 22908982 (cited by Laboratory for Molecular Medicine, Mass General Brigham Personalized Medicine); PubMed 24227917 (cited by Laboratory for Molecular Medicine, Mass General Brigham Personalized Medicine).

NM_001195129.2(PRSS56):c.1066dup (p.Gln356fs)

Gene: PRSS56 (serine protease 56; plus strand). Cytogenetic location: 2q37.1.
Variant type: Duplication.
Coding change: c.1066dup on transcript NM_001195129.2 (MANE Select); coding-DNA position 1066, one base duplicated (C; older notation c.1066dupC).
Protein change: p.Gln356fs; shifts the reading frame from glutamine 356.
Molecular consequence: frameshift variant.
Genome position (GRCh38, 1-based): chr2:232,523,825, C duplicated; the last of 8 consecutive C bases (chr2:232,523,818-232,523,825); duplicating any one gives the same sequence. VCF-style (leftmost placement, unchanged base first): chr2-232523817-A-AC. GRCh37 (hg19) VCF-style: chr2-233388527-A-AC.
Other names: c.1069dup, p.Gln357fs (NM_001369848.1); c.1066dupC (NM_001195129.1); short protein forms Q356fs, Q357fs.
Identifiers: ClinVar variation 31077 (VCV000031077.21), dbSNP rs730882064, ClinGen allele CA129650.